The following is an entry in ClinVar:

NM_020937.4(FANCM):c.4770T>G (p.Ile1590Met)

Gene: FANCM (FA complementation group M; plus strand). Cytogenetic location: 14q21.2.
Variant type: single nucleotide variant.
Coding change: c.4770T>G on transcript NM_020937.4 (MANE Select); coding-DNA position 4770, T replaced by G.
Protein change: p.Ile1590Met; replaces isoleucine 1590 with methionine.
Molecular consequence: missense variant.
Genome position (GRCh38, 1-based): chr14:45,187,878, T>G. VCF-style: chr14-45187878-T-G. GRCh37 (hg19) VCF-style: chr14-45657081-T-G.
Other names: c.4692T>G, p.Ile1564Met (NM_001308133.2); short protein forms I1564M, I1590M.
Identifiers: ClinVar variation 4871134 (VCV004871134.1).

ClinVar aggregate classification (germline): Uncertain significance (1 of 4 stars; one submission).

Conditions:
Inborn genetic diseases. Identifiers: MedGen C0950123, MeSH D030342.

Submission:

Ambry Genetics
Classification: Uncertain significance for Inborn genetic diseases. Last evaluated: 2026-05-14. Review status: criteria provided, single submitter. Criteria: Ambry Variant Classification Scheme 2023. Collection method: clinical testing. Allele origin: germline.
Comment: The p.I1590M variant (also known as c.4770T>G), located in coding exon 19 of the FANCM gene, results from a T to G substitution at nucleotide position 4770. The isoleucine at codon 1590 is replaced by methionine, an amino acid with highly similar properties. This amino acid position is conserved. In addition, this alteration is predicted to be tolerated by in silico analysis. Based on the available evidence, the clinical significance of this variant remains unclear.